The following is an entry in ClinVar:

NM_003356.4(UCP3):c.228C>A (p.Ser76Arg)

Gene: UCP3 (uncoupling protein 3; minus strand). Cytogenetic location: 11q13.4.
Variant type: single nucleotide variant.
Coding change: c.228C>A on transcript NM_003356.4 (MANE Select); coding-DNA position 228, C replaced by A.
Protein change: p.Ser76Arg; replaces serine 76 with arginine.
Molecular consequence: missense variant.
Genome position (GRCh38, 1-based): chr11:74,006,278, G>T on the plus strand (C>A on the coding strand, the complement: UCP3 is on the minus strand). VCF-style: chr11-74006278-G-T. GRCh37 (hg19) VCF-style: chr11-73717323-G-T.
Other names: c.228C>A, p.Ser76Arg (NM_022803.3); short protein forms S76R.
Identifiers: ClinVar variation 5002289 (VCV005002289.1).

ClinVar aggregate classification (germline): Uncertain significance (1 of 4 stars; one submission).

Conditions:
UCP3-related disorder. Also called: UCP3-related condition.

gnomAD v4.1: 1 of 1,613,198 alleles (0.000062%); highest among the groups gnomAD compares: Non-Finnish European, 0.000085%; no homozygotes.

Submission:

PreventionGenetics, part of Exact Sciences
Classification: Uncertain significance for UCP3-related condition. Last evaluated: 2025-05-07. Review status: criteria provided, single submitter. Criteria: ACMG Guidelines, 2015. Collection method: clinical testing. Allele origin: germline.
Comment: The UCP3 c.228C>A variant is predicted to result in the amino acid substitution p.Ser76Arg. To our knowledge, this variant has not been reported in the literature or in a large population database (gnomAD), indicating this variant is rare. At this time, the clinical significance of this variant is uncertain due to the absence of conclusive functional and genetic evidence.